The following is an entry in ClinVar:

NM_001458.5(FLNC):c.851-5C>T

Gene: FLNC (filamin C; plus strand). Cytogenetic location: 7q32.1.
Variant type: single nucleotide variant.
Coding change: c.851-5C>T on transcript NM_001458.5 (MANE Select); 5 bases into the intron before coding-DNA position 851, C replaced by T.
Molecular consequence: intron variant.
Genome position (GRCh38, 1-based): chr7:128,837,632, C>T. VCF-style: chr7-128837632-C-T. GRCh37 (hg19) VCF-style: chr7-128477686-C-T.
Other names: c.851-5C>T (NM_001127487.2).
Identifiers: ClinVar variation 387492 (VCV000387492.15), dbSNP rs758216356, ClinGen allele CA4474150.

ClinVar aggregate classification (germline): Conflicting classifications of pathogenicity. Review status: criteria provided, conflicting classifications (1 of 4 stars). 5 submissions from 5 submitters: Uncertain significance (1); Likely benign (4). Last evaluated 2025-07-23.

Conditions:
Cardiovascular phenotype. Identifiers: MedGen CN230736.
Myofibrillar myopathy 5. Also called: FILAMINOPATHY, AUTOSOMAL DOMINANT; Filaminopathy (type). Identifiers: Orphanet 171445, MedGen C1836050, MONDO:0012289, OMIM 609524.
Distal myopathy with posterior leg and anterior hand involvement. Also called: WILLIAMS DISTAL MYOPATHY. Identifiers: Orphanet 63273, MedGen C3279722, MONDO:0013550, OMIM 614065.
Hypertrophic cardiomyopathy 26. Also called: Cardiomyopathy, familial hypertrophic, 26. Identifiers: Orphanet 75249, MedGen C4310749, MONDO:0014883, OMIM 617047.

Allele frequency attached by ClinVar (database versions not stated): gnomAD 0.00001 and 0.00002; TOPMed 0.00003; ExAC 0.00004.
gnomAD v4.1: 36 of 1,612,434 alleles (0.0022%); highest among the groups gnomAD compares: South Asian, 0.026%; 1 homozygote.

Submissions (5):

Labcorp Genetics (formerly Invitae), Labcorp
Classification: Likely benign for Distal myopathy with posterior leg and anterior hand involvement; Myofibrillar myopathy 5; Hypertrophic cardiomyopathy 26. Last evaluated: 2025-07-23. Review status: criteria provided, single submitter. Criteria: Invitae Variant Classification Sherloc (09022015). Collection method: clinical testing. Allele origin: germline.

Molecular Diagnostic Laboratory for Inherited Cardiovascular Disease, Montreal Heart Institute
Classification: Likely benign. Last evaluated: 2025-04-09. Review status: criteria provided, single submitter. Criteria: ACMG Guidelines, 2015. Collection method: clinical testing. Allele origin: germline. Affected: no.
Comment: BS1

Athena Diagnostics
Classification: Likely benign. Last evaluated: 2024-08-30. Review status: criteria provided, single submitter. Criteria: Athena Diagnostics Criteria. Collection method: clinical testing. Allele origin: unknown.

Ambry Genetics
Classification: Uncertain significance for Cardiovascular phenotype. Last evaluated: 2022-01-27. Review status: criteria provided, single submitter. Criteria: Ambry Variant Classification Scheme 2023. Collection method: clinical testing. Allele origin: germline.
Comment: The c.851-5C>T intronic variant results from a C to T substitution 5 nucleotides upstream from coding exon 5 in the FLNC gene. This nucleotide position is not well conserved in available vertebrate species. In silico splice site analysis predicts that this alteration will not have any significant effect on splicing. Since supporting evidence is limited at this time, the clinical significance of this alteration remains unclear.

GeneDx
Classification: Likely benign. Last evaluated: 2016-07-22. Review status: criteria provided, single submitter. Criteria: GeneDx Variant Classification (06012015). Collection method: clinical testing. Allele origin: germline. Affected: yes.
Comment: This variant is considered likely benign or benign based on one or more of the following criteria: it is a conservative change, it occurs at a poorly conserved position in the protein, it is predicted to be benign by multiple in silico algorithms, and/or has population frequency not consistent with disease.